The following is an entry in ClinVar:

ClinVar aggregate classification (germline): Uncertain significance (1 of 4 stars; one submission).

Conditions:
Hereditary cancer-predisposing syndrome. Also called: Neoplastic Syndromes, Hereditary; Tumor predisposition; Hereditary neoplastic syndrome; Hereditary Cancer Syndrome. Identifiers: Orphanet 140162, MedGen C0027672, MeSH D009386, MONDO:0015356.

Submission:

Ambry Genetics
Classification: Uncertain significance for Hereditary cancer-predisposing syndrome. Last evaluated: 2023-12-19. Review status: criteria provided, single submitter. Criteria: Ambry Variant Classification Scheme 2023. Collection method: clinical testing. Allele origin: germline.
Comment: The p.E206D variant (also known as c.618A>C), located in coding exon 7 of the NF2 gene, results from an A to C substitution at nucleotide position 618. The glutamic acid at codon 206 is replaced by aspartic acid, an amino acid with highly similar properties. This amino acid position is conserved. In addition, the in silico prediction for this alteration is inconclusive. Since supporting evidence is limited at this time, the clinical significance of this alteration remains unclear.

NM_000268.4(NF2):c.618A>C (p.Glu206Asp)

Gene: NF2 (NF2, moesin-ezrin-radixin like (MERLIN) tumor suppressor; plus strand). Cytogenetic location: 22q12.2.
Variant type: single nucleotide variant.
Coding change: c.618A>C on transcript NM_000268.4 (MANE Select); coding-DNA position 618, A replaced by C.
Protein change: p.Glu206Asp; replaces glutamic acid 206 with aspartic acid.
Molecular consequence: missense variant. On other transcripts: intron variant (1).
Genome position (GRCh38, 1-based): chr22:29,658,207, A>C. VCF-style: chr22-29658207-A-C. GRCh37 (hg19) VCF-style: chr22-30054196-A-C.
Other names: c.504A>C, p.Glu168Asp (NM_001407053.1, NM_001407056.1); c.495A>C, p.Glu165Asp (NM_001407054.1, NM_001407058.1, NM_001407062.1 and 1 more transcripts); c.492A>C, p.Glu164Asp (NM_001407055.1, NM_181828.3); c.618A>C, p.Glu206Asp (NM_001407057.1, NM_001407059.1, NM_001407060.1 and 4 more transcripts); c.369A>C, p.Glu123Asp (NM_001407063.1, NM_001407064.1, NM_181830.3 and 1 more transcripts); c.84A>C, p.Glu28Asp (NM_001407065.1); c.387A>C, p.Glu129Asp (NM_001407067.1); c.447+15922A>C (NM_181833.3); short protein forms E123D, E129D, E164D, E165D, E168D, E206D, E28D.
Identifiers: ClinVar variation 3231102 (VCV003231102.1), dbSNP rs2146989510, ClinGen allele CA411143004.
Genomic context (GRCh38, chr22:29,658,207, plus strand): 5'-CTCACTTAGCTCCAATGACAGTGTCTTCCGTTCTCCCCACAGGGATGAAGCTGAAATGGA[A>C]TATCTGAAGATAGCTCAGGACCTGGAGATGTACGGTGTGAACTACTTTGCAATCCGGGTG-3'
Protein context (NP_000259.1, residues 196-216): RGRARDEAEM[Glu206Asp]YLKIAQDLEM